The following is an entry in ClinVar:

ClinVar aggregate classification (germline): Uncertain significance (1 of 4 stars; one submission).

Allele frequency attached by ClinVar (database versions not stated): gnomAD exomes 0.00001.
gnomAD v4.1: 4 of 1,612,778 alleles (0.00025%); highest among the groups gnomAD compares: Admixed American, 0.0067%; no homozygotes.

Submission:

Labcorp Genetics (formerly Invitae), Labcorp
Classification: Uncertain significance. Last evaluated: 2025-12-15. Review status: criteria provided, single submitter. Criteria: Invitae Variant Classification Sherloc (09022015). Collection method: clinical testing. Allele origin: germline.
Comment: This sequence change replaces phenylalanine, which is neutral and non-polar, with leucine, which is neutral and non-polar, at codon 1263 of the ITPR1 protein (p.Phe1263Leu). The frequency data for this variant in the population databases is considered unreliable, as metrics indicate poor data quality at this position in the gnomAD database. This variant has not been reported in the literature in individuals affected with ITPR1-related conditions. ClinVar contains an entry for this variant (Variation ID: 1715106). Invitae Evidence Modeling of protein sequence and biophysical properties (such as structural, functional, and spatial information, amino acid conservation, physicochemical variation, residue mobility, and thermodynamic stability) has been performed for this missense variant. However, the output from this modeling did not meet the statistical confidence thresholds required to predict the impact of this variant on ITPR1 protein function. In summary, the available evidence is currently insufficient to determine the role of this variant in disease. Therefore, it has been classified as a Variant of Uncertain Significance.

NM_001378452.1(ITPR1):c.3861C>A (p.Phe1287Leu)

Gene: ITPR1 (inositol 1,4,5-trisphosphate receptor type 1; plus strand). Cytogenetic location: 3p26.1.
Variant type: single nucleotide variant.
Coding change: c.3861C>A on transcript NM_001378452.1 (MANE Select); coding-DNA position 3861, C replaced by A.
Protein change: p.Phe1287Leu; replaces phenylalanine 1287 with leucine.
Molecular consequence: missense variant.
Genome position (GRCh38, 1-based): chr3:4,691,176, C>A. VCF-style: chr3-4691176-C-A. GRCh37 (hg19) VCF-style: chr3-4732860-C-A.
Other names: c.3834C>A, p.Phe1278Leu (NM_001099952.4); c.3816C>A, p.Phe1272Leu (NM_001168272.2); c.3789C>A, p.Phe1263Leu (NM_002222.7); short protein forms F1263L, F1272L, F1278L, F1287L.
Identifiers: ClinVar variation 1715106 (VCV001715106.6), dbSNP rs1413609948, ClinGen allele CA351630444.